The following is an entry in ClinVar:

NM_001486.4(GCKR):c.230A>G (p.Glu77Gly)

Gene: GCKR (glucokinase regulator; plus strand). Cytogenetic location: 2p23.3.
Variant type: single nucleotide variant.
Coding change: c.230A>G on transcript NM_001486.4 (MANE Select); coding-DNA position 230, A replaced by G.
Protein change: p.Glu77Gly; replaces glutamic acid 77 with glycine.
Molecular consequence: missense variant.
Genome position (GRCh38, 1-based): chr2:27,497,575, A>G. VCF-style: chr2-27497575-A-G. GRCh37 (hg19) VCF-style: chr2-27720442-A-G.
Other names: short protein forms E77G.
Identifiers: ClinVar variation 225371 (VCV000225371.32), dbSNP rs8179206, ClinGen allele CA1581475.
Genomic context (GRCh38, chr2:27,497,575, plus strand): 5'-CATCGTCCTCCTTTTCTTGGCTTCTCATTCCTGCATATTCCCTACAGAGACTCTACAGCG[A>G]ATCCATTCTGACCACCATGGTACAGGTGGCTGGGAAAGTTCAGGAAGTGCTGAAGGTACT-3'
Protein context (NP_001477.2, residues 67-87): ALSTYQRLYS[Glu77Gly]SILTTMVQVA

ClinVar aggregate classification (germline): Conflicting classifications of pathogenicity. Review status: criteria provided, conflicting classifications (1 of 4 stars). 5 submissions from 5 submitters: Uncertain significance (1); Benign (3). 1 of the submissions does not count toward it. Last evaluated 2026-01-26.

Conditions:
GCKR-related disorder. Also called: GCKR-related condition.
FASTING PLASMA GLUCOSE LEVEL QUANTITATIVE TRAIT LOCUS 5 (FGQTL5). Identifiers: MedGen C3150714, OMIM 613463.

Allele frequency attached by ClinVar (database versions not stated): gnomAD exomes 0.00064 and 0.00191; gnomAD 0.00069 and 0.00096; TOPMed 0.00156; ExAC 0.00194; 1000 Genomes Project 30x 0.00468; 1000 Genomes Project 0.00479.
gnomAD v4.1: 1,097 of 1,612,790 alleles (0.068%); highest among the groups gnomAD compares: East Asian, 1.9%; 11 homozygotes.

Submissions (5):

Labcorp Genetics (formerly Invitae), Labcorp
Classification: Benign. Last evaluated: 2026-01-26. Review status: criteria provided, single submitter. Criteria: Invitae Variant Classification Sherloc (09022015). Collection method: clinical testing. Allele origin: germline.

CeGaT Center for Human Genetics Tuebingen
Classification: Benign. Last evaluated: 2022-11-01. Review status: criteria provided, single submitter. Criteria: CeGaT Center For Human Genetics Tuebingen Variant Classification Criteria Version 2. Collection method: clinical testing. Allele origin: germline. Affected: yes. Observed: 1 variant allele.
Comment: GCKR: BP4, BS1, BS2

GeneDx
Classification: Benign. Last evaluated: 2020-06-22. Review status: criteria provided, single submitter. Criteria: GeneDx Variant Classification Process June 2021. Collection method: clinical testing. Allele origin: germline. Affected: yes.
Comment: This variant is associated with the following publications: (PMID: 30420299, 24879641, 20657596)

Soonchunhyang University Bucheon Hospital, Soonchunhyang University Medical Center
Classification: Uncertain significance for FASTING PLASMA GLUCOSE LEVEL QUANTITATIVE TRAIT LOCUS 5. Last evaluated: 2016-03-18. Review status: criteria provided, single submitter. Criteria: ACMG Guidelines, 2015. Collection method: reference population. Allele origin: germline. Observed: 6 variant alleles.

PreventionGenetics, part of Exact Sciences
Classification: Likely benign for GCKR-related condition. Last evaluated: 2024-02-28. Review status: no assertion criteria provided. Collection method: clinical testing. Allele origin: germline. Not counted in ClinVar's aggregate classification.
Comment: This variant is classified as likely benign based on ACMG/AMP sequence variant interpretation guidelines (Richards et al. 2015 PMID: 25741868, with internal and published modifications).

Literature cited by the submitters: PubMed 20657596 (cited by Soonchunhyang University Bucheon Hospital, Soonchunhyang University Medical Center); PubMed 24879641 (cited by Soonchunhyang University Bucheon Hospital, Soonchunhyang University Medical Center).